The following is an entry in ClinVar:

NM_000410.4(HFE):c.1006+1G>T

Gene: HFE (homeostatic iron regulator; plus strand). Cytogenetic location: 6p22.2.
Variant type: single nucleotide variant.
Coding change: c.1006+1G>T on transcript NM_000410.4 (MANE Select); the canonical splice donor site of the intron after coding-DNA position 1006, G replaced by T.
Molecular consequence: splice donor variant.
Genome position (GRCh38, 1-based): chr6:26,093,233, G>T. VCF-style: chr6-26093233-G-T. GRCh37 (hg19) VCF-style: chr6-26093461-G-T.
Other names: c.997+1G>T (NM_001406751.1); c.1006+1G>T (NM_001384164.1, NM_001300749.3); c.964+1G>T (NM_139006.3); c.730+1G>T (NM_139004.3); c.688+1G>T (NM_139003.3); c.937+1G>T (NM_139009.3); c.742+1G>T (NM_139007.3, NM_001406752.1); c.700+1G>T (NM_139008.3); and 2 more.
Identifiers: ClinVar variation 4732018 (VCV004732018.1).

ClinVar aggregate classification (germline): Pathogenic (1 of 4 stars; one submission).

Conditions:
Hereditary hemochromatosis (HFE). Identifiers: MedGen C0392514, MONDO:0006507. Disease mechanism: loss of function.

Submission:

Labcorp Genetics (formerly Invitae), Labcorp
Classification: Pathogenic for Hereditary hemochromatosis. Last evaluated: 2025-11-25. Review status: criteria provided, single submitter. Criteria: Invitae Variant Classification Sherloc (09022015). Collection method: clinical testing. Allele origin: germline.
Comment: This sequence change affects a donor splice site in intron 5 of the HFE gene. While this variant is not anticipated to result in nonsense mediated decay, it likely alters RNA splicing and results in a disrupted protein product. This variant is not present in population databases (gnomAD no frequency). Disruption of this splice site has been observed in individuals with hereditary hemochromatosis (PMID: 11875012, 17240320, 27518069). Variants that disrupt the consensus splice site are a relatively common cause of aberrant splicing (PMID: 17576681, 9536098). Studies have shown that disruption of this splice site is associated with altered splicing resulting in multiple RNA products (PMID: 11875012). For these reasons, this variant has been classified as Pathogenic.

Literature cited by the submitters: PubMed 11875012; PubMed 17240320; PubMed 27518069; PubMed 17576681; PubMed 9536098.